The following is an entry in ClinVar:

NM_001371727.1(GABRB2):c.542-32GT[7]

Gene: GABRB2 (gamma-aminobutyric acid type A receptor subunit beta2; minus strand). Cytogenetic location: 5q34.
Variant type: Microsatellite.
Coding change: c.542-32GT[7] on transcript NM_001371727.1 (MANE Select); seven copies in a row of the 2-base unit GT starting at c.542-32; the reference has eight copies in a row; one copy, 2 bases deleted.
Molecular consequence: intron variant.
Genome position (GRCh38, 1-based): chr5:161,336,786-161,336,787, AC deleted on the plus strand (GT on the coding strand, the reverse complement: GABRB2 is on the minus strand); deleting any 2 consecutive bases within chr5:161,336,786-161,336,802 gives the same sequence; the position shown is the placement nearest the transcript's 3' end. VCF-style (leftmost placement, unchanged base first): chr5-161336785-TAC-T. GRCh37 (hg19) VCF-style: chr5-160763792-TAC-T.
Other names: c.542-18_542-17delGT (NM_021911.2); c.542-32GT[7] (NM_000813.3, NM_021911.3).
Identifiers: ClinVar variation 419896 (VCV000419896.10), dbSNP rs141330383, ClinGen allele CA3543529.

ClinVar aggregate classification (germline): Benign/Likely benign. Review status: criteria provided, multiple submitters, no conflicts (2 of 4 stars). 3 submissions from 3 submitters: Benign (2); Likely benign (1). Last evaluated 2026-02-03.

Conditions:
Intellectual disability. Also called: Intellectual functioning disability; intellectual disabilities; Intellectual developmental disorder. Identifiers: MedGen C3714756, MeSH D008607, MONDO:0001071, HP:0001249.

Submissions (3):

Labcorp Genetics (formerly Invitae), Labcorp
Classification: Benign for Intellectual disability. Last evaluated: 2026-02-03. Review status: criteria provided, single submitter. Criteria: Invitae Variant Classification Sherloc (09022015). Collection method: clinical testing. Allele origin: germline.

Blueprint Genetics
Classification: Likely benign. Last evaluated: 2024-11-26. Review status: criteria provided, single submitter. Criteria: ACMG Guidelines, 2015. Collection method: clinical testing. Allele origin: germline.

GeneDx
Classification: Benign. Last evaluated: 2016-12-14. Review status: criteria provided, single submitter. Criteria: GeneDx Variant Classification (06012015). Collection method: clinical testing. Allele origin: germline. Affected: yes.
Comment: This variant is considered likely benign or benign based on one or more of the following criteria: it is a conservative change, it occurs at a poorly conserved position in the protein, it is predicted to be benign by multiple in silico algorithms, and/or has population frequency not consistent with disease.